The following is an entry in ClinVar:

NC_000016.9:g.(?_2103323)_(2115656_?)del

Gene: TSC2 (TSC complex subunit 2; plus strand). Cytogenetic location: 16p13.3.
Variant type: Deletion.
Identifiers: ClinVar variation 1460101 (VCV001460101.4).

ClinVar aggregate classification (germline): Pathogenic (1 of 4 stars; one submission).

Conditions:
Tuberous sclerosis 2 (TSC2). Identifiers: Orphanet 805, MedGen C1860707, MONDO:0013199, OMIM 613254.

Submission:

Labcorp Genetics (formerly Invitae), Labcorp
Classification: Pathogenic for Tuberous sclerosis 2. Last evaluated: 2021-06-22. Review status: criteria provided, single submitter. Criteria: Invitae Variant Classification Sherloc (09022015). Collection method: clinical testing. Allele origin: germline.
Comment: This variant is a gross deletion of the genomic region encompassing exon(s) 4-16 of the TSC2 gene. This variant would be expected to be in-frame, preserving the integrity of the reading frame. This variant has not been reported in the literature in individuals affected with TSC2-related conditions. For these reasons, this variant has been classified as Pathogenic. This variant disrupts a region of the TSC2 protein in which other variant(s) (p.Leu219Pro) have been determined to be pathogenic (PMID: 21309039, 32211034). This suggests that this is a clinically significant region of the protein, and that variants that disrupt it are likely to be disease-causing.

Literature cited by the submitters: PubMed 21309039; PubMed 32211034.